The following is an entry in ClinVar:

NM_003884.5(KAT2B):c.448C>T (p.Leu150=)

Gene: KAT2B (lysine acetyltransferase 2B; plus strand). Cytogenetic location: 3p24.3.
Variant type: single nucleotide variant.
Coding change: c.448C>T on transcript NM_003884.5 (MANE Select); coding-DNA position 448, C replaced by T.
Protein change: p.Leu150=; no amino-acid change (leucine 150 retained).
Molecular consequence: synonymous variant.
Genome position (GRCh38, 1-based): chr3:20,095,280, C>T. VCF-style: chr3-20095280-C-T. GRCh37 (hg19) VCF-style: chr3-20136772-C-T.
Identifiers: ClinVar variation 4979829 (VCV004979829.1).

ClinVar aggregate classification (germline): Likely benign (1 of 4 stars; one submission).

Conditions:
KAT2B-related disorder. Also called: KAT2B-related condition.

Submission:

PreventionGenetics, part of Exact Sciences
Classification: Likely benign for KAT2B-related condition. Last evaluated: 2025-12-01. Review status: criteria provided, single submitter. Criteria: ACMG Guidelines, 2015. Collection method: clinical testing. Allele origin: germline.
Comment: This variant is classified as likely benign based on ACMG/AMP sequence variant interpretation guidelines (Richards et al. 2015 PMID: 25741868, with internal and published modifications).